The following is an entry in ClinVar:

NM_080425.4(GNAS):c.1233_1259del (p.Thr415_Gly423del)

Gene: GNAS (GNAS complex locus; plus strand). Cytogenetic location: 20q13.32.
Variant type: Deletion.
Coding change: c.1233_1259del on transcript NM_080425.4 (MANE Plus Clinical); coding-DNA positions 1233 to 1259, 27 bases deleted (CGACTCCGGGACAGCACCAGCCGATCC).
Protein change: p.Thr415_Gly423del.
Molecular consequence: inframe deletion. On other transcripts: intron variant (3).
Genome position (GRCh38, 1-based): chr20:58,854,498-58,854,524, CGACTCCGGGACAGCACCAGCCGATCC deleted; deleting any 27 consecutive bases within chr20:58,854,493-58,854,524 gives the same sequence; the c. name uses the placement nearest the transcript's 3' end. VCF-style (leftmost placement, unchanged base first): chr20-58854492-AGATCCCGACTCCGGGACAGCACCAGCC-A. GRCh37 (hg19) VCF-style: chr20-57429547-AGATCCCGACTCCGGGACAGCACCAGCC-A.
Other names: c.*42+13612_*42+13638del (NM_016592.5); c.43+13612_43+13638del (NM_001410912.1); c.-39+12623_-39+12649del (NM_001309861.2); c.1233_1259del, p.Thr415_Gly423del (NM_001410913.1); c.1046_1072del, p.Pro349_Ile357del (NM_001077490.3, NM_001309883.1).
Identifiers: ClinVar variation 134476 (VCV000134476.23), dbSNP rs587778382, ClinGen allele CA159928.

ClinVar aggregate classification (germline): Benign/Likely benign. Review status: criteria provided, multiple submitters, no conflicts (2 of 4 stars). 6 submissions from 6 submitters: Benign (1); Likely benign (3). 2 of the submissions do not count toward it. Last evaluated 2026-01-01.

Conditions:
GNAS-related disorder. Identifiers: MedGen CN380105.
Early onset severe obesity. Identifiers: MedGen C4013980.

Submissions (6):

CeGaT Center for Human Genetics Tuebingen
Classification: Likely benign. Last evaluated: 2026-01-01. Review status: criteria provided, single submitter. Criteria: CeGaT Center For Human Genetics Tuebingen Variant Classification Criteria Version 2. Collection method: clinical testing. Allele origin: germline. Affected: yes. Observed: 4 variant alleles.
Comment: GNAS: PM4, BS1

Blueprint Genetics
Classification: Likely benign. Last evaluated: 2024-11-26. Review status: criteria provided, single submitter. Criteria: ACMG Guidelines, 2015. Collection method: clinical testing. Allele origin: germline.

Cambridge Genomics Laboratory, East Genomic Laboratory Hub, NHS Genomic Medicine Service
Classification: Likely benign for Severe early-onset obesity. Last evaluated: 2024-07-25. Review status: criteria provided, single submitter. Criteria: ACGS Best Practice Guidelines for Variant Classification in Rare Disease 2020. Collection method: clinical testing. Allele origin: germline. Affected: yes.
Comment: The variant is observed in one or more well-documented healthy adults. (BS2 - Strong) | The p.Thr415_Gly423del variant is observed in 71/9.776 (0.7263%) alleles from individuals of gnomAD African background in gnomAD All, indicating it is a common benign variant. (BA1 - Standalone) | The p.Thr415_Gly423del variant is not in a repeat region. (PM4 - Moderate)

Labcorp Genetics (formerly Invitae), Labcorp
Classification: Benign. Last evaluated: 2019-12-31. Review status: criteria provided, single submitter. Criteria: Invitae Variant Classification Sherloc (09022015). Collection method: clinical testing. Allele origin: germline.

PreventionGenetics, part of Exact Sciences
Classification: Likely benign for GNAS-related condition. Last evaluated: 2019-06-13. Review status: no assertion criteria provided. Collection method: clinical testing. Allele origin: germline. Not counted in ClinVar's aggregate classification.
Comment: This variant is classified as likely benign based on ACMG/AMP sequence variant interpretation guidelines (Richards et al. 2015 PMID: 25741868, with internal and published modifications).

ITMI
No classification provided. Condition: AllHighlyPenetrant. Last evaluated: 2013-09-19. Review status: no classification provided. Collection method: reference population. Allele origin: germline. Not counted in ClinVar's aggregate classification.
Comment: Please see associated publication for description of ethnicities

Literature cited by the submitters: PubMed 24728327 (cited by ITMI).